The following is an entry in ClinVar:

ClinVar aggregate classification (germline): Benign/Likely benign. Review status: criteria provided, multiple submitters, no conflicts (2 of 4 stars). 6 submissions from 6 submitters: Benign (4); Likely benign (2). Last evaluated 2025-10-02.

Conditions:
Hereditary cancer-predisposing syndrome. Also called: Neoplastic Syndromes, Hereditary; Hereditary neoplastic syndrome; Tumor predisposition; Hereditary Cancer Syndrome. Identifiers: Orphanet 140162, MedGen C0027672, MeSH D009386, MONDO:0015356.
Tuberous sclerosis syndrome (TSC). Also called: Tuberous sclerosis; Tuberous Sclerosis Complex. Identifiers: Orphanet 805, MedGen C0041341, MONDO:0001734.
Tuberous sclerosis 2 (TSC2). Identifiers: Orphanet 805, MedGen C1860707, MONDO:0013199, OMIM 613254.

Allele frequency attached by ClinVar (database versions not stated): ExAC 0.00002; gnomAD exomes 0.00002 and 0.00004; TOPMed 0.00002; gnomAD 0.00003 and 0.00004; ESP Exome Variant Server 0.00008.
gnomAD v4.1: 31 of 1,612,954 alleles (0.0019%); highest among the groups gnomAD compares: South Asian, 0.013%; no homozygotes.

Submissions (6):

Labcorp Genetics (formerly Invitae), Labcorp
Classification: Benign for Tuberous sclerosis 2. Last evaluated: 2025-10-02. Review status: criteria provided, single submitter. Criteria: Invitae Variant Classification Sherloc (09022015). Collection method: clinical testing. Allele origin: germline.

Myriad Genetics, Inc.
Classification: Benign for Tuberous sclerosis 2. Last evaluated: 2025-05-20. Review status: criteria provided, single submitter. Criteria: Myriad Autosomal Dominant, Autosomal Recessive and X-Linked Classification Criteria (2023). Collection method: clinical testing. Allele origin: unknown.
Comment: This variant is considered benign. This variant is a silent/synonymous amino acid change and it is not expected to impact splicing.

Color Diagnostics, LLC DBA Color Health
Classification: Benign for Tuberous sclerosis syndrome. Last evaluated: 2022-09-27. Review status: criteria provided, single submitter. Criteria: ACMG Guidelines, 2015. Collection method: clinical testing. Allele origin: germline.

Genome-Nilou Lab
Classification: Benign for Tuberous sclerosis 2. Last evaluated: 2021-11-07. Review status: criteria provided, single submitter. Criteria: ACMG Guidelines, 2015. Collection method: clinical testing. Allele origin: germline. Affected: no.

GeneDx
Classification: Likely benign. Last evaluated: 2021-08-31. Review status: criteria provided, single submitter. Criteria: GeneDx Variant Classification Process June 2021. Collection method: clinical testing. Allele origin: germline. Affected: yes.

Ambry Genetics
Classification: Likely benign for Hereditary cancer-predisposing syndrome. Last evaluated: 2019-06-04. Review status: criteria provided, single submitter. Criteria: Ambry Variant Classification Scheme 2023. Collection method: clinical testing. Allele origin: germline.

NM_000548.5(TSC2):c.2583C>T (p.Ala861=)

Gene: TSC2 (TSC complex subunit 2; plus strand). Cytogenetic location: 16p13.3.
Variant type: single nucleotide variant.
Coding change: c.2583C>T on transcript NM_000548.5 (MANE Select); coding-DNA position 2583, C replaced by T.
Protein change: p.Ala861=; no amino-acid change (alanine 861 retained).
Molecular consequence: synonymous variant.
Genome position (GRCh38, 1-based): chr16:2,075,836, C>T. VCF-style: chr16-2075836-C-T. GRCh37 (hg19) VCF-style: chr16-2125837-C-T.
Other names: c.2583C>T, p.Ala861= (NM_001077183.3, NM_001114382.3, NM_001363528.2 and 3 more transcripts); c.2472C>T, p.Ala824= (NM_001318827.2); c.2436C>T, p.Ala812= (NM_001318829.2); c.1983C>T, p.Ala661= (NM_001318831.2); c.2616C>T, p.Ala872= (NM_001318832.2).
Identifiers: ClinVar variation 390535 (VCV000390535.19), dbSNP rs144924053, ClinGen allele CA040119.